The following is an entry in ClinVar:

ClinVar aggregate classification (germline): Uncertain significance (1 of 4 stars; one submission).

Submission:

Labcorp Genetics (formerly Invitae), Labcorp
Classification: Uncertain significance. Last evaluated: 2023-02-10. Review status: criteria provided, single submitter. Criteria: Invitae Variant Classification Sherloc (09022015). Collection method: clinical testing. Allele origin: germline.
Comment: This variant has not been reported in the literature in individuals affected with TGFB1-related conditions. Advanced modeling of protein sequence and biophysical properties (such as structural, functional, and spatial information, amino acid conservation, physicochemical variation, residue mobility, and thermodynamic stability) performed at Invitae indicates that this missense variant is not expected to disrupt TGFB1 protein function. In summary, the available evidence is currently insufficient to determine the role of this variant in disease. Therefore, it has been classified as a Variant of Uncertain Significance. This variant is not present in population databases (gnomAD no frequency). This sequence change replaces valine, which is neutral and non-polar, with leucine, which is neutral and non-polar, at codon 370 of the TGFB1 protein (p.Val370Leu).

NM_000660.7(TGFB1):c.1108G>C (p.Val370Leu)

Gene: TGFB1 (transforming growth factor beta 1; minus strand). Cytogenetic location: 19q13.2.
Variant type: single nucleotide variant.
Coding change: c.1108G>C on transcript NM_000660.7 (MANE Select); coding-DNA position 1108, G replaced by C.
Protein change: p.Val370Leu; replaces valine 370 with leucine.
Molecular consequence: missense variant.
Genome position (GRCh38, 1-based): chr19:41,331,117, C>G on the plus strand (G>C on the coding strand, the complement: TGFB1 is on the minus strand). VCF-style: chr19-41331117-C-G. GRCh37 (hg19) VCF-style: chr19-41837022-C-G.
Other names: short protein forms V370L.
Identifiers: ClinVar variation 2799574 (VCV002799574.3), dbSNP rs1254766061, ClinGen allele CA405997750.